The following is an entry in ClinVar:

NM_000051.4(ATM):c.2087G>A (p.Gly696Glu)

Gene: ATM (ATM serine/threonine kinase; plus strand). Cytogenetic location: 11q22.3.
Variant type: single nucleotide variant.
Coding change: c.2087G>A on transcript NM_000051.4 (MANE Select); coding-DNA position 2087, G replaced by A.
Protein change: p.Gly696Glu; replaces glycine 696 with glutamic acid.
Molecular consequence: missense variant.
Genome position (GRCh38, 1-based): chr11:108,254,002, G>A. VCF-style: chr11-108254002-G-A. GRCh37 (hg19) VCF-style: chr11-108124729-G-A.
Other names: c.2087G>A, p.Gly696Glu (NM_001351834.2); short protein forms G696E.
Identifiers: ClinVar variation 972221 (VCV000972221.13), dbSNP rs752550257, ClinGen allele CA6264927.
Genomic context (GRCh38, chr11:108,254,002, plus strand): 5'-CCAGTATTGGCTTCTCTGTCCACCAGAATCTCAAGGAATCACTGGATCGCTGTCTTCTGG[G>A]ATTATCAGAACAGCTTCTGAATAATTACTCATCTGAGGTGAGATTTTTTAAAAAAAGAAC-3'
Protein context (NP_000042.3, residues 686-706): LKESLDRCLL[Gly696Glu]LSEQLLNNYS

ClinVar aggregate classification (germline): Uncertain significance. Review status: criteria provided, multiple submitters, no conflicts (2 of 4 stars). 3 submissions from 3 submitters: Uncertain significance (3). Last evaluated 2025-12-13.

Conditions:
Hereditary cancer-predisposing syndrome. Also called: Tumor predisposition; Hereditary Cancer Syndrome; Neoplastic Syndromes, Hereditary; Hereditary neoplastic syndrome. Identifiers: Orphanet 140162, MedGen C0027672, MeSH D009386, MONDO:0015356.
Ataxia-telangiectasia syndrome (AT). Also called: Ataxia telangiectasia (A-T); Ataxia-telangiectasia; Cerebello-oculocutaneous telangiectasia; Immunodeficiency with ataxia telangiectasia; ATAXIA-TELANGIECTASIA, FRESNO VARIANT; LOUIS-BAR SYNDROME. Identifiers: Orphanet 100, MedGen C0004135, MONDO:0008840, OMIM 208900.

Allele frequency attached by ClinVar (database versions not stated): gnomAD exomes below 0.00001; ExAC 0.00001.
gnomAD v4.1: 2 of 1,613,906 alleles (0.00012%); highest among the groups gnomAD compares: Non-Finnish European, 0.00017%; no homozygotes.

Submissions (3):

Labcorp Genetics (formerly Invitae), Labcorp
Classification: Uncertain significance for Ataxia-telangiectasia syndrome. Last evaluated: 2025-12-13. Review status: criteria provided, single submitter. Criteria: Invitae Variant Classification Sherloc (09022015). Collection method: clinical testing. Allele origin: germline.
Comment: This sequence change replaces glycine, which is neutral and non-polar, with glutamic acid, which is acidic and polar, at codon 696 of the ATM protein (p.Gly696Glu). This variant is present in population databases (rs752550257, gnomAD 0.0009%). This variant has not been reported in the literature in individuals affected with ATM-related conditions. ClinVar contains an entry for this variant (Variation ID: 972221). Invitae Evidence Modeling of protein sequence and biophysical properties (such as structural, functional, and spatial information, amino acid conservation, physicochemical variation, residue mobility, and thermodynamic stability) indicates that this missense variant is not expected to disrupt ATM protein function with a negative predictive value of 95%. In summary, the available evidence is currently insufficient to determine the role of this variant in disease. Therefore, it has been classified as a Variant of Uncertain Significance.

Ambry Genetics
Classification: Uncertain significance for Hereditary cancer-predisposing syndrome. Last evaluated: 2022-04-15. Review status: criteria provided, single submitter. Criteria: Ambry Variant Classification Scheme 2023. Collection method: clinical testing. Allele origin: germline.
Comment: The p.G696E variant (also known as c.2087G>A), located in coding exon 12 of the ATM gene, results from a G to A substitution at nucleotide position 2087. The glycine at codon 696 is replaced by glutamic acid, an amino acid with similar properties. This alteration has been reported in the germline of 1 of 8,920 ethnically matched normal population control subjects but was not seen in 516 samples from a study of chronic lymphocytic leukemia patients of European descent (Tiao G et al. Leukemia. 2017 10;31:2244-2247). This amino acid position is not well conserved in available vertebrate species. In addition, this alteration is predicted to be tolerated by in silico analysis. Since supporting evidence is limited at this time, the clinical significance of this alteration remains unclear.

GeneDx
Classification: Uncertain significance. Last evaluated: 2019-11-12. Review status: criteria provided, single submitter. Criteria: GeneDx Variant Classification Process June 2021. Collection method: clinical testing. Allele origin: germline. Affected: yes.
Comment: Not observed at a significant frequency in large population cohorts (Lek 2016); In silico analysis, which includes protein predictors and evolutionary conservation, supports that this variant does not alter protein structure/function; Has not been previously published as pathogenic or benign to our knowledge

Literature cited by the submitters: PubMed 28652578 (cited by Ambry Genetics).